The following is an entry in ClinVar:

ClinVar aggregate classification (germline): Uncertain significance (1 of 4 stars; one submission).

Conditions:
Generalized epilepsy with febrile seizures plus, type 7 (GEFSP7). Also called: GEFS+, TYPE 7. Identifiers: Orphanet 36387, MedGen C2751778, MONDO:0013470, OMIM 613863.
Neuropathy, hereditary sensory and autonomic, type 2A (HSAN2A). Also called: HSAN IIA; ACROOSTEOLYSIS, GIACCAI TYPE; ACROOSTEOLYSIS, NEUROGENIC; MORVAN DISEASE; NEUROPATHY, CONGENITAL SENSORY; NEUROPATHY, HEREDITARY SENSORY RADICULAR, AUTOSOMAL RECESSIVE. Identifiers: Orphanet 970, MedGen C2752089, MONDO:0024309, OMIM 201300.

Submission:

Labcorp Genetics (formerly Invitae), Labcorp
Classification: Uncertain significance for Neuropathy, hereditary sensory and autonomic, type 2A; Generalized epilepsy with febrile seizures plus, type 7. Last evaluated: 2022-09-01. Review status: criteria provided, single submitter. Criteria: Invitae Variant Classification Sherloc (09022015). Collection method: clinical testing. Allele origin: germline.
Comment: This sequence change replaces isoleucine, which is neutral and non-polar, with methionine, which is neutral and non-polar, at codon 602 of the SCN9A protein (p.Ile602Met). This variant is not present in population databases (gnomAD no frequency). This variant has not been reported in the literature in individuals affected with SCN9A-related conditions. ClinVar contains an entry for this variant (Variation ID: 1056379). Algorithms developed to predict the effect of missense changes on protein structure and function are either unavailable or do not agree on the potential impact of this missense change (SIFT: "Deleterious"; PolyPhen-2: "Benign"; Align-GVGD: "Class C0"). In summary, the available evidence is currently insufficient to determine the role of this variant in disease. Therefore, it has been classified as a Variant of Uncertain Significance.

NM_001365536.1(SCN9A):c.1806C>G (p.Ile602Met)

Genes: SCN9A (sodium voltage-gated channel alpha subunit 9; minus strand), SCN1A-AS1 (SCN1A and SCN9A antisense RNA 1; plus strand). Cytogenetic location: 2q24.3.
Variant type: single nucleotide variant.
Coding change: c.1806C>G on transcript NM_001365536.1 (MANE Select); coding-DNA position 1806, C replaced by G.
Protein change: p.Ile602Met; replaces isoleucine 602 with methionine.
Molecular consequence: missense variant.
Genome position (GRCh38, 1-based): chr2:166,284,621, G>C on the plus strand (C>G on the coding strand, the complement: SCN9A is on the minus strand). VCF-style: chr2-166284621-G-C. GRCh37 (hg19) VCF-style: chr2-167141131-G-C.
Other names: c.1806C>G, p.Ile602Met (NM_002977.4); short protein forms I602M.
Identifiers: ClinVar variation 1056379 (VCV001056379.9), dbSNP rs2106483185, ClinGen allele CA349083154.